The following is an entry in ClinVar:

NM_014889.4(PITRM1):c.2410G>A (p.Gly804Ser)

Genes: PITRM1 (pitrilysin metallopeptidase 1; minus strand), PITRM1-AS1 (PITRM1 antisense RNA 1; plus strand). Cytogenetic location: 10p15.2.
Variant type: single nucleotide variant.
Coding change: c.2410G>A on transcript NM_014889.4 (MANE Select); coding-DNA position 2410, G replaced by A.
Protein change: p.Gly804Ser; replaces glycine 804 with serine.
Molecular consequence: missense variant. On other transcripts: non-coding transcript variant (5).
Genome position (GRCh38, 1-based): chr10:3,145,643, C>T on the plus strand (G>A on the coding strand, the complement: PITRM1 is on the minus strand). VCF-style: chr10-3145643-C-T. GRCh37 (hg19) VCF-style: chr10-3187835-C-T.
Other names: c.2413G>A, p.Gly805Ser (NM_001242307.2); c.2116G>A, p.Gly706Ser (NM_001242309.1); c.2212G>A, p.Gly738Ser (NM_001347725.2); c.1597G>A, p.Gly533Ser (NM_001347726.2); c.1795G>A, p.Gly599Ser (NM_001347727.2); c.1105G>A, p.Gly369Ser (NM_001347728.2); c.2386G>A, p.Gly796Ser (NM_001347729.1); c.2188G>A, p.Gly730Ser (NM_001347730.1); and 1 more; short protein forms G369S, G738S, G796S, G599S, G533S, G706S, G804S, G730S.
Identifiers: ClinVar variation 2044012 (VCV002044012.3), dbSNP rs755990101, ClinGen allele CA5387417.

ClinVar aggregate classification (germline): Uncertain significance. Review status: criteria provided, multiple submitters, no conflicts (2 of 4 stars). 2 submissions from 2 submitters: Uncertain significance (2). Last evaluated 2025-09-25.

Allele frequency attached by ClinVar (database versions not stated): gnomAD exomes 0.00014; ExAC 0.00009; gnomAD 0.00011.
gnomAD v4.1: 216 of 1,550,174 alleles (0.014%); highest among the groups gnomAD compares: East Asian, 0.027%; no homozygotes.

Submissions (2):

Ambry Genetics
Classification: Uncertain significance. Last evaluated: 2025-09-25. Review status: criteria provided, single submitter. Criteria: Ambry Variant Classification Scheme 2023. Collection method: clinical testing. Allele origin: germline.

Labcorp Genetics (formerly Invitae), Labcorp
Classification: Uncertain significance. Last evaluated: 2022-10-17. Review status: criteria provided, single submitter. Criteria: Invitae Variant Classification Sherloc (09022015). Collection method: clinical testing. Allele origin: germline.
Comment: This sequence change replaces glycine, which is neutral and non-polar, with serine, which is neutral and polar, at codon 706 of the PITRM1 protein (p.Gly706Ser). This variant is present in population databases (rs755990101, gnomAD 0.05%). This variant has not been reported in the literature in individuals affected with PITRM1-related conditions. Algorithms developed to predict the effect of missense changes on protein structure and function output the following: SIFT: "Tolerated"; PolyPhen-2: "Benign"; Align-GVGD: "Class C0". The serine amino acid residue is found in multiple mammalian species, which suggests that this missense change does not adversely affect protein function. In summary, the available evidence is currently insufficient to determine the role of this variant in disease. Therefore, it has been classified as a Variant of Uncertain Significance.